The following is an entry in ClinVar:

ClinVar aggregate classification (germline): Uncertain significance. Review status: criteria provided, single submitter (1 of 4 stars). 2 submissions from 2 submitters: Uncertain significance (1). 1 of the submissions does not count toward it. Last evaluated 2025-02-12.

Conditions:
Inborn genetic diseases. Identifiers: MedGen C0950123, MeSH D030342.
Thrombocytopenia 2 (THC2). Also called: ANKRD26-Related Thrombocytopenia. Identifiers: Orphanet 268322, MedGen C1861185, MONDO:0008555, OMIM 188000.

Allele frequency attached by ClinVar (database versions not stated): gnomAD exomes below 0.00001.
gnomAD v4.1: 5 of 1,565,628 alleles (0.00032%); highest among the groups gnomAD compares: Middle Eastern, 0.068%; 1 homozygote.

Submissions (2):

Ambry Genetics
Classification: Uncertain significance for Inborn genetic diseases. Last evaluated: 2025-02-12. Review status: criteria provided, single submitter. Criteria: Ambry Variant Classification Scheme 2023. Collection method: clinical testing. Allele origin: germline.
Comment: The p.H1385Q variant (also known as c.4155T>A), located in coding exon 29 of the ANKRD26 gene, results from a T to A substitution at nucleotide position 4155. The histidine at codon 1385 is replaced by glutamine, an amino acid with highly similar properties. This amino acid position is conserved. In addition, this alteration is predicted to be tolerated by in silico analysis. Based on the available evidence, the clinical significance of this variant remains unclear.

Zotz-Klimas Genetics Lab, MVZ Zotz Klimas
Classification: Uncertain significance for Thrombocytopenia 2. Last evaluated: 2023-10-30. Review status: no assertion criteria provided. Collection method: clinical testing. Allele origin: germline. Affected: yes. Not counted in ClinVar's aggregate classification.

NM_014915.3(ANKRD26):c.4155T>A (p.His1385Gln)

Gene: ANKRD26 (ankyrin repeat domain 26; minus strand). Cytogenetic location: 10p12.1.
Variant type: single nucleotide variant.
Coding change: c.4155T>A on transcript NM_014915.3 (MANE Select); coding-DNA position 4155, T replaced by A.
Protein change: p.His1385Gln; replaces histidine 1385 with glutamine.
Molecular consequence: missense variant.
Genome position (GRCh38, 1-based): chr10:27,022,618, A>T on the plus strand (T>A on the coding strand, the complement: ANKRD26 is on the minus strand). VCF-style: chr10-27022618-A-T. GRCh37 (hg19) VCF-style: chr10-27311547-A-T.
Other names: c.4152T>A, p.His1384Gln (NM_001256053.2); short protein forms H1384Q, H1385Q.
Identifiers: ClinVar variation 2627083 (VCV002627083.2), dbSNP rs931726728, ClinGen allele CA376359165.